The following is an entry in ClinVar:

ClinVar aggregate classification (germline): Uncertain significance (1 of 4 stars; one submission).

Conditions:
Fabry disease. Also called: ALPHA-GALACTOSIDASE A DEFICIENCY; ANDERSON-FABRY DISEASE; CERAMIDE TRIHEXOSIDASE DEFICIENCY; GLA DEFICIENCY; HEREDITARY DYSTOPIC LIPIDOSIS; Angiokeratoma corporis diffusum. Identifiers: Orphanet 324, MedGen C0002986, MONDO:0010526, OMIM 301500, HP:0001071. Disease mechanism: Fabry disease is due to inactivating mutations in the X-linked GLA gene resulting in deficiency of the enzyme Alpha Galactosidase-A., loss of function.

Submission:

Genomenon, Inc
Classification: Uncertain significance for Fabry disease. Last evaluated: 2026-09-08. Review status: criteria provided, single submitter. Criteria: Genomenon Sequence Variant Interpretation Standards - Updated. Collection method: curation. Allele origin: germline. Affected: yes.
Comment: GLA p.His302Pro (c.905A>C) is a missense variant that changes the amino acid at codon 302 from Histidine to Proline. This variant has been observed in at least one proband with clinical features consistent with Fabry disease (PMID:33301762). It is absent or not present at a significant frequency in gnomAD. In conclusion, we classify GLA p.His302Pro (c.905A>C) as a variant of uncertain significance.

Literature cited by the submitters: PubMed 33301762.

NM_000169.3(GLA):c.905A>C (p.His302Pro)

Genes: GLA (galactosidase alpha; minus strand), RPL36A-HNRNPH2 (RPL36A-HNRNPH2 readthrough; plus strand). Cytogenetic location: Xq22.1.
Variant type: single nucleotide variant.
Coding change: c.905A>C on transcript NM_000169.3 (MANE Select); coding-DNA position 905, A replaced by C.
Protein change: p.His302Pro; replaces histidine 302 with proline.
Molecular consequence: missense variant. On other transcripts: non-coding transcript variant (3), intron variant (2).
Genome position (GRCh38, 1-based): chrX:101,398,464, T>G on the plus strand (A>C on the coding strand, the complement: GLA is on the minus strand). VCF-style: chrX-101398464-T-G. GRCh37 (hg19) VCF-style: chrX-100653452-T-G.
Other names: c.1028A>C, p.His343Pro (NM_001406747.1); c.905A>C, p.His302Pro (NM_001406748.1); c.300+3007T>G (NM_001199973.2); c.177+6642T>G (NM_001199974.2); short protein forms H302P, H343P.
Identifiers: ClinVar variation 4087574 (VCV004087574.2).
Genomic context (GRCh38, chrX:101,398,464, plus strand): 5'-TCCTGATTGATGGCAATTACGTCCTTATCCTGAAGGAGAGCTTTGGCTTGAGGGCTGATG[T>G]GTCGGAGGTCATTAGACATGAATAAAGGAGCAGCCATGATAGCCCAGAGGGCCATCTGAG-3'
Protein context (NP_000160.1, residues 292-312): APLFMSNDLR[His302Pro]ISPQAKALLQ